The following is an entry in ClinVar:

NM_000051.4(ATM):c.1065+333A>G

Gene: ATM (ATM serine/threonine kinase; plus strand). Cytogenetic location: 11q22.3.
Variant type: single nucleotide variant.
Coding change: c.1065+333A>G on transcript NM_000051.4 (MANE Select); 333 bases into the intron after coding-DNA position 1065, A replaced by G.
Molecular consequence: intron variant.
Genome position (GRCh38, 1-based): chr11:108,247,460, A>G. VCF-style: chr11-108247460-A-G. GRCh37 (hg19) VCF-style: chr11-108118187-A-G.
Other names: c.1065+333A>G (NM_001351834.2).
Identifiers: ClinVar variation 4882639 (VCV004882639.2).

ClinVar aggregate classification (germline): Uncertain significance (1 of 4 stars; one submission).

Conditions:
ATM-related cancer predisposition. Also called: ATM-related cancer susceptibility. Identifiers: MedGen CN377759, MONDO:0700270.

Submission:

Dasa
Classification: Uncertain significance for ATM-related cancer predisposition. Last evaluated: 2025-11-24. Review status: criteria provided, single submitter. Criteria: DASA Assertion Criteria. Collection method: clinical testing. Allele origin: germline.
Comment: NM_000051.4(ATM):c.1065+333A>G is an intronic variant. This variant is absent from population databases. Computational prediction algorithms are consistent with a deleterious effect. The currently available literature and clinical evidence are not sufficient to establish a definitive association between this variant and the reported condition. Therefore, this variant is classified as a variant of uncertain significance.